The following is an entry in ClinVar:

NM_020921.4(NIN):c.1061A>C (p.Lys354Thr)

Gene: NIN (ninein; minus strand). Cytogenetic location: 14q22.1.
Variant type: single nucleotide variant.
Coding change: c.1061A>C on transcript NM_020921.4 (MANE Select); coding-DNA position 1061, A replaced by C.
Protein change: p.Lys354Thr; replaces lysine 354 with threonine.
Molecular consequence: missense variant.
Genome position (GRCh38, 1-based): chr14:50,771,389, T>G on the plus strand (A>C on the coding strand, the complement: NIN is on the minus strand). VCF-style: chr14-50771389-T-G. GRCh37 (hg19) VCF-style: chr14-51238107-T-G.
Other names: c.1061A>C, p.Lys354Thr (NM_016350.5, NM_182944.3, NM_182946.2); short protein forms K354T.
Identifiers: ClinVar variation 1897222 (VCV001897222.5), dbSNP rs775394838, ClinGen allele CA7182301.

ClinVar aggregate classification (germline): Uncertain significance (1 of 4 stars; one submission).

Allele frequency attached by ClinVar (database versions not stated): ExAC 0.00002; gnomAD 0.00002; gnomAD exomes 0.00002; TOPMed 0.00003.
gnomAD v4.1: 13 of 1,614,122 alleles (0.00081%); highest among the groups gnomAD compares: Admixed American, 0.02%; no homozygotes.

Submission:

Labcorp Genetics (formerly Invitae), Labcorp
Classification: Uncertain significance. Last evaluated: 2022-03-14. Review status: criteria provided, single submitter. Criteria: Invitae Variant Classification Sherloc (09022015). Collection method: clinical testing. Allele origin: germline.
Comment: In summary, the available evidence is currently insufficient to determine the role of this variant in disease. Therefore, it has been classified as a Variant of Uncertain Significance. Algorithms developed to predict the effect of missense changes on protein structure and function are either unavailable or do not agree on the potential impact of this missense change (SIFT: "Deleterious"; PolyPhen-2: "Probably Damaging"; Align-GVGD: "Class C0"). This variant has not been reported in the literature in individuals affected with NIN-related conditions. This variant is present in population databases (rs775394838, gnomAD 0.02%). This sequence change replaces lysine, which is basic and polar, with threonine, which is neutral and polar, at codon 354 of the NIN protein (p.Lys354Thr).